The following is an entry in ClinVar:

ClinVar aggregate classification (germline): Pathogenic (1 of 4 stars; one submission).

Submission:

Labcorp Genetics (formerly Invitae), Labcorp
Classification: Pathogenic. Last evaluated: 2021-11-04. Review status: criteria provided, single submitter. Criteria: Invitae Variant Classification Sherloc (09022015). Collection method: clinical testing. Allele origin: germline.
Comment: For these reasons, this variant has been classified as Pathogenic. This variant has not been reported in the literature in individuals affected with PHEX-related conditions. This variant is not present in population databases (gnomAD no frequency). This sequence change creates a premature translational stop signal (p.Val578Aspfs*40) in the PHEX gene. It is expected to result in an absent or disrupted protein product. Loss-of-function variants in PHEX are known to be pathogenic (PMID: 9097956, 9106524, 19219621).

Literature cited by the submitters: PubMed 9097956; PubMed 9106524; PubMed 19219621.

NM_000444.6(PHEX):c.1733_1736del (p.Val578fs)

Genes: PHEX (phosphate regulating endopeptidase X-linked; plus strand), PTCHD1-AS (PTCHD1 and PHEX antisense RNA; minus strand). Cytogenetic location: Xp22.11.
Variant type: Deletion.
Coding change: c.1733_1736del on transcript NM_000444.6 (MANE Select); coding-DNA positions 1733 to 1736, 4 bases deleted (TCGG; older notation c.1733_1736delTCGG).
Protein change: p.Val578fs; shifts the reading frame from valine 578.
Molecular consequence: frameshift variant.
Genome position (GRCh38, 1-based): chrX:22,219,068-22,219,071, TCGG deleted; deleting any 4 consecutive bases within chrX:22,219,067-22,219,071 gives the same sequence; the c. name uses the placement nearest the transcript's 3' end. VCF-style (leftmost placement, unchanged base first): chrX-22219066-TGTCG-T. GRCh37 (hg19) VCF-style: chrX-22237183-TGTCG-T.
Other names: c.1733_1736del, p.Val578fs (NM_001282754.2); short protein forms V578fs.
Identifiers: ClinVar variation 1437855 (VCV001437855.6), dbSNP rs2147171209, ClinGen allele CA2573158764.